The following is an entry in ClinVar:

ClinVar aggregate classification (germline): Uncertain significance. Review status: criteria provided, multiple submitters, no conflicts (2 of 4 stars). 2 submissions from 2 submitters: Uncertain significance (2). Last evaluated 2022-05-18.

Conditions:
Hyperphosphatasia with impaired intellectual development syndrome 1. Also called: MABRY SYNDROME; GLYCOSYLPHOSPHATIDYLINOSITOL BIOSYNTHESIS DEFECT 2; Hyperphosphatasia with intellectual disability syndrome 1. Identifiers: Orphanet 247262, MedGen C4551502, MONDO:0009398, OMIM 239300.

Allele frequency attached by ClinVar (database versions not stated): TOPMed 0.00001.

Submissions (2):

Center for Genomics, Ann and Robert H. Lurie Children's Hospital of Chicago
Classification: Uncertain significance for Hyperphosphatasia with impaired intellectual development syndrome 1. Last evaluated: 2022-05-18. Review status: criteria provided, single submitter. Criteria: ACMG Guidelines, 2015. Collection method: clinical testing. Allele origin: germline.
Comment: This variant has not been reported in the literature and is not present in large control databases. This variant is present in ClinVar (Variation ID:297122). Evolutionary conservation and computational predictive tools for this variant are limited or unavailable. Of note, this variant is a silent variant and does not change the amino acid, reducing the probability that this variant is disease causing. In summary, data on this variant is insufficient for disease classification. Therefore, the clinical significance of this variant is uncertain.

Illumina Laboratory Services, Illumina
Classification: Uncertain significance for Hyperphosphatasia with impaired intellectual development syndrome 1. Last evaluated: 2018-01-13. Review status: criteria provided, single submitter. Criteria: ICSL Variant Classification Criteria 13 December 2019. Collection method: clinical testing. Allele origin: germline.

NM_017837.4(PIGV):c.1464C>T (p.Asn488=)

Gene: PIGV (phosphatidylinositol glycan anchor biosynthesis class V; plus strand). Cytogenetic location: 1p36.11.
Variant type: single nucleotide variant.
Coding change: c.1464C>T on transcript NM_017837.4 (MANE Select); coding-DNA position 1464, C replaced by T.
Protein change: p.Asn488=; no amino-acid change (asparagine 488 retained).
Molecular consequence: synonymous variant. On other transcripts: non-coding transcript variant (2).
Genome position (GRCh38, 1-based): chr1:26,797,826, C>T. VCF-style: chr1-26797826-C-T. GRCh37 (hg19) VCF-style: chr1-27124317-C-T.
Other names: c.1464C>T, p.Asn488= (NM_001202554.2, NM_001374478.1, NM_001374480.1 and 2 more transcripts); c.1083C>T, p.Asn361= (NM_001374483.1); c.837C>T, p.Asn279= (NM_001374484.1, NM_001374485.1); c.342C>T, p.Asn114= (NM_001374486.1).
Identifiers: ClinVar variation 297122 (VCV000297122.6), dbSNP rs973687848, ClinGen allele CA10610891.